The following is an entry in ClinVar:

NM_000350.3(ABCA4):c.5530G>T (p.Gly1844Cys)

Gene: ABCA4 (ATP binding cassette subfamily A member 4; minus strand). Cytogenetic location: 1p22.1.
Variant type: single nucleotide variant.
Coding change: c.5530G>T on transcript NM_000350.3 (MANE Select); coding-DNA position 5530, G replaced by T.
Protein change: p.Gly1844Cys; replaces glycine 1844 with cysteine.
Molecular consequence: missense variant.
Genome position (GRCh38, 1-based): chr1:94,011,316, C>A on the plus strand (G>T on the coding strand, the complement: ABCA4 is on the minus strand). VCF-style: chr1-94011316-C-A. GRCh37 (hg19) VCF-style: chr1-94476872-C-A.
Other names: c.5308G>T, p.Gly1770Cys (NM_001425324.1); short protein forms G1844C, G1770C.
Identifiers: ClinVar variation 1065669 (VCV001065669.10), dbSNP rs2101008373, ClinGen allele CA341281077.

ClinVar aggregate classification (germline): Conflicting classifications of pathogenicity. Review status: criteria provided, conflicting classifications (1 of 4 stars). 4 submissions from 4 submitters: Pathogenic (1); Uncertain significance (3). Last evaluated 2022-07-17.

Conditions:
Cone-rod dystrophy 3 (CORD3). Identifiers: Orphanet 1872, MedGen C1858806, MONDO:0011395, OMIM 604116.
Severe early-childhood-onset retinal dystrophy (STGD1). Also called: STGD; Stargardt macular dystrophy; Juvenile onset macular degeneration; Stargardt disease 1; MACULAR DYSTROPHY WITH FLECKS, TYPE 1. Identifiers: Orphanet 364055, Orphanet 827, MedGen C1855465, MeSH D000080362, MONDO:0009549, OMIM 248200.

Allele frequency attached by ClinVar (database versions not stated): gnomAD exomes below 0.00001.
gnomAD v4.1: 2 of 1,614,040 alleles (0.00012%); highest among the groups gnomAD compares: Admixed American, 0.0017%; no homozygotes.

Submissions (4):

Labcorp Genetics (formerly Invitae), Labcorp
Classification: Pathogenic. Last evaluated: 2022-07-17. Review status: criteria provided, single submitter. Criteria: Invitae Variant Classification Sherloc (09022015). Collection method: clinical testing. Allele origin: germline.
Comment: For these reasons, this variant has been classified as Pathogenic. This missense change has been observed in individual(s) with autosomal recessive Stargardt disease (PMID: 25097154; Invitae). This sequence change replaces glycine, which is neutral and non-polar, with cysteine, which is neutral and slightly polar, at codon 1844 of the ABCA4 protein (p.Gly1844Cys). This variant is not present in population databases (gnomAD no frequency). ClinVar contains an entry for this variant (Variation ID: 1065669). Advanced modeling of protein sequence and biophysical properties (such as structural, functional, and spatial information, amino acid conservation, physicochemical variation, residue mobility, and thermodynamic stability) performed at Invitae indicates that this missense variant is expected to disrupt ABCA4 protein function. This variant disrupts the p.Gly1844 amino acid residue in ABCA4. Other variant(s) that disrupt this residue have been determined to be pathogenic (PMID: 23755871). This suggests that this residue is clinically significant, and that variants that disrupt this residue are likely to be disease-causing.

Blueprint Genetics
Classification: Uncertain significance. Last evaluated: 2022-03-25. Review status: criteria provided, single submitter. Criteria: ACMG Guidelines, 2015. Collection method: clinical testing. Allele origin: germline.

Genetics and Molecular Pathology, SA Pathology
Classification: Uncertain significance for Cone-rod dystrophy 3. Last evaluated: 2021-04-29. Review status: criteria provided, single submitter. Criteria: ACMG Guidelines, 2015. Collection method: clinical testing. Allele origin: germline.

Ocular Genomics Institute, Massachusetts Eye and Ear
Classification: Uncertain significance for Severe early-childhood-onset retinal dystrophy. Last evaluated: 2021-04-08. Review status: criteria provided, single submitter. Criteria: ACMG Guidelines, 2015. Collection method: research. Allele origin: germline. Affected: yes.
Comment: Through a review of available evidence we were able to apply the following criteria: PM2, PP3, PM1. Based on this evidence we have classified this variant as Variant of Uncertain Significance.

Literature cited by the submitters: PubMed 25097154 (cited by Labcorp Genetics (formerly Invitae), Labcorp and Ocular Genomics Institute, Massachusetts Eye and Ear); PubMed 23755871 (cited by Labcorp Genetics (formerly Invitae), Labcorp).